The following is an entry in ClinVar:

NM_001164508.2(NEB):c.20650_20651insCCTCT (p.Arg6884fs)

Gene: NEB (nebulin; minus strand). Cytogenetic location: 2q23.3.
Variant type: Insertion.
Coding change: c.20650_20651insCCTCT on transcript NM_001164508.2 (MANE Select); coding-DNA positions 20650 to 20651, CCTCT inserted.
Protein change: p.Arg6884fs; shifts the reading frame from arginine 6884.
Molecular consequence: frameshift variant.
Genome position: GRCh38 VCF-style: chr2-151541478-C-CAGAGG. GRCh37 (hg19) VCF-style: chr2-152397992-C-CAGAGG.
Other names: c.20650_20651insCCTCT, p.Arg6884fs (NM_001164507.2, NM_001271208.2); c.15547_15548insCCTCT, p.Arg5183fs (NM_004543.5); short protein forms R5183fs, R6884fs.
Identifiers: ClinVar variation 1726600 (VCV001726600.2), dbSNP rs2552160134, ClinGen allele CA2580063988.

ClinVar aggregate classification (germline): Likely pathogenic (1 of 4 stars; one submission).

Conditions:
Nemaline myopathy 2 (NEM2). Also called: Nemaline myopathy 2, autosomal recessive. Identifiers: MedGen C1850569, MONDO:0009725, OMIM 256030.

Submission:

Myriad Genetics, Inc.
Classification: Likely pathogenic for Nemaline myopathy 2. Last evaluated: 2021-12-27. Review status: criteria provided, single submitter. Criteria: Myriad Women's Health Autosomal Recessive and X-Linked Classification Criteria (2021). Collection method: clinical testing. Allele origin: unknown.
Comment: NM_001271208.1(NEB):c.20650_20651ins5(R6884Tfs*36) is expected to be pathogenic in the context of NEB-related nemaline myopathy. This variant is predicted to lead to an abnormal or absent protein product due to the creation of a premature termination codon in NEB, a gene where loss-of-function variants are known to be pathogenic. Please note: this variant was assessed in the context of healthy population screening.